The following is an entry in ClinVar:

NM_133261.3(GIPC3):c.*1217G>A

Gene: GIPC3 (GIPC PDZ domain containing family member 3; plus strand). Cytogenetic location: 19p13.3.
Variant type: single nucleotide variant.
Coding change: c.*1217G>A on transcript NM_133261.3 (MANE Select); 1217 bases downstream of the stop codon, G replaced by A.
Molecular consequence: 3 prime UTR variant. On other transcripts: synonymous variant (1).
Genome position (GRCh38, 1-based): chr19:3,591,407, G>A. VCF-style: chr19-3591407-G-A. GRCh37 (hg19) VCF-style: chr19-3591405-G-A.
Other names: c.2169G>A, p.Ser723= (NM_001411144.1).
Identifiers: ClinVar variation 2648998 (VCV002648998.24), dbSNP rs548590267, ClinGen allele CA304418588.
Genomic context (GRCh38, chr19:3,591,407, plus strand): 5'-ACATTTTAAGACCCAGACCAGCTTGGAGACCAATCCCAGTTCCAGAATCCAGGCTAGCTC[G>A]GAGACCAAGCCCTGCTGGAAAACTCAAGCTGACTCTGGAACTCTGGACAGCTCCACGATG-3'

ClinVar aggregate classification (germline): Likely benign (1 of 4 stars; one submission).

Allele frequency attached by ClinVar (database versions not stated): TOPMed 0.00017; gnomAD exomes 0.00020; gnomAD 0.00029; 1000 Genomes Project 0.00060; 1000 Genomes Project 30x 0.00094.
gnomAD v4.1: 278 of 1,231,786 alleles (0.023%); highest among the groups gnomAD compares: South Asian, 0.56%; 1 homozygote.

Submission:

CeGaT Center for Human Genetics Tuebingen
Classification: Likely benign. Last evaluated: 2025-11-01. Review status: criteria provided, single submitter. Criteria: CeGaT Center For Human Genetics Tuebingen Variant Classification Criteria Version 2. Collection method: clinical testing. Allele origin: germline. Affected: yes. Observed: 2 variant alleles.
Comment: GIPC3: BP4, BP7